The following is an entry in ClinVar:

ClinVar aggregate classification (germline): Conflicting classifications of pathogenicity. Review status: criteria provided, conflicting classifications (1 of 4 stars). 2 submissions from 2 submitters: Uncertain significance (1); Likely benign (1). Last evaluated 2026-04-06.

Conditions:
Hereditary cancer-predisposing syndrome. Also called: Neoplastic Syndromes, Hereditary; Tumor predisposition; Hereditary neoplastic syndrome; Hereditary Cancer Syndrome. Identifiers: Orphanet 140162, MedGen C0027672, MeSH D009386, MONDO:0015356.
Familial melanoma. Also called: Hereditary melanoma; Hereditary cutaneous melanoma. Identifiers: Orphanet 618, MedGen C1512419, MONDO:0018961.

gnomAD v4.1: 1 of 1,607,988 alleles (0.000062%); highest among the groups gnomAD compares: South Asian, 0.0011%; no homozygotes.

Submissions (2):

Ambry Genetics
Classification: Likely benign for Hereditary cancer-predisposing syndrome. Last evaluated: 2026-04-06. Review status: criteria provided, single submitter. Criteria: Ambry Variant Classification Scheme 2023. Collection method: clinical testing. Allele origin: germline.

Labcorp Genetics (formerly Invitae), Labcorp
Classification: Uncertain significance for Familial melanoma. Last evaluated: 2021-08-26. Review status: criteria provided, single submitter. Criteria: Invitae Variant Classification Sherloc (09022015). Collection method: clinical testing. Allele origin: germline.
Comment: In summary, the available evidence is currently insufficient to determine the role of this variant in disease. Therefore, it has been classified as a Variant of Uncertain Significance. Algorithms developed to predict the effect of sequence changes on RNA splicing suggest that this variant may create or strengthen a splice site, but this prediction has not been confirmed by published transcriptional studies. Algorithms developed to predict the effect of missense changes on protein structure and function are either unavailable or do not agree on the potential impact of this missense change (SIFT: "Tolerated"; PolyPhen-2: "Not Available"; Align-GVGD: "Class C0"). This variant has not been reported in the literature in individuals with CDKN2A (p16INK4a)-related conditions. This variant is not present in population databases (ExAC no frequency). This sequence change affects codon 115 of the CDKN2A (p16INK4a) mRNA. It is a 'silent' change, meaning that it does not change the encoded amino acid sequence of the CDKN2A (p16INK4a) protein. Alternatively, this sequence change replaces glycine with arginine at codon 130 of the CDKN2A (p14ARF) protein (p.Gly130Arg). The glycine residue is highly conserved and there is a moderate physicochemical difference between glycine and arginine. The CDKN2A gene encodes two different proteins, p16INK4a and p14ARF, which are translated from alternative transcripts that have different open reading frames.

NM_000077.5(CDKN2A):c.345G>A (p.Val115=)

Gene: CDKN2A (cyclin dependent kinase inhibitor 2A; minus strand). Cytogenetic location: 9p21.3.
Variant type: single nucleotide variant.
Coding change: c.345G>A on transcript NM_000077.5; coding-DNA position 345, G replaced by A.
Protein change: p.Val115=; no amino-acid change (valine 115 retained).
Molecular consequence: synonymous variant (on NM_000077.6). On other transcripts: missense variant (1), 3 prime UTR variant (1).
Genome position (GRCh38, 1-based): chr9:21,971,014, C>T on the plus strand (G>A on the coding strand, the complement: CDKN2A is on the minus strand). VCF-style: chr9-21971014-C-T. GRCh37 (hg19) VCF-style: chr9-21971013-C-T.
Other names: c.345G>A, p.Val115= (NM_000077.6, NM_001195132.2); c.192G>A, p.Val64= (NM_001363763.2); c.388G>A, p.Gly130Arg (NM_058195.4); c.*268G>A (NM_058197.5); short protein forms G130R.
Identifiers: ClinVar variation 966602 (VCV000966602.13), dbSNP rs1819693631, ClinGen allele CA373086019.